The following is an entry in ClinVar:

NM_001613.4(ACTA2):c.644del (p.Lys215fs)

Genes: ACTA2-AS1 (ACTA2 antisense RNA 1; plus strand), ACTA2 (actin alpha 2, smooth muscle; minus strand). Cytogenetic location: 10q23.31.
Variant type: Deletion.
Coding change: c.644del on transcript NM_001613.4 (MANE Select); coding-DNA position 644, one base deleted (A; older notation c.644delA).
Protein change: p.Lys215fs; shifts the reading frame from lysine 215.
Molecular consequence: frameshift variant. On other transcripts: non-coding transcript variant (1), intron variant (1).
Genome position (GRCh38, 1-based): chr10:88,939,671, T deleted on the plus strand (A on the coding strand, the reverse complement: ACTA2 is on the minus strand); the first of 2 consecutive T bases (chr10:88,939,671-88,939,672); deleting either gives the same sequence. VCF-style (leftmost placement, unchanged base first): chr10-88939670-CT-C. GRCh37 (hg19) VCF-style: chr10-90699427-CT-C.
Other names: c.644del, p.Lys215fs (NM_001141945.3, NM_001320855.2, NM_001406462.1 and 2 more transcripts); c.533del, p.Lys178fs (NM_001406466.1); c.515del, p.Lys172fs (NM_001406467.1, NM_001406468.1, NM_001406469.1); c.617-1429del (NM_001406471.1); short protein forms K172fs, K215fs, K178fs.
Identifiers: ClinVar variation 2702575 (VCV002702575.3), dbSNP rs2494528998, ClinGen allele CA2697558652.

ClinVar aggregate classification (germline): Uncertain significance (1 of 4 stars; one submission).

Conditions:
Aortic aneurysm, familial thoracic 6 (AAT6). Also called: FAMILIAL THORACIC AORTIC ANEURYSM WITH LIVEDO RETICULARIS AND IRIS FLOCCULI. Identifiers: MedGen C2673186, MONDO:0012730, OMIM 611788.

Submission:

Labcorp Genetics (formerly Invitae), Labcorp
Classification: Uncertain significance for Aortic aneurysm, familial thoracic 6. Last evaluated: 2023-12-12. Review status: criteria provided, single submitter. Criteria: Invitae Variant Classification Sherloc (09022015). Collection method: clinical testing. Allele origin: germline.
Comment: This sequence change creates a premature translational stop signal (p.Lys215Argfs*7) in the ACTA2 gene. It is expected to result in an absent or disrupted protein product. However, the current clinical and genetic evidence is not sufficient to establish whether loss-of-function variants in ACTA2 cause disease. This variant is not present in population databases (gnomAD no frequency). This premature translational stop signal has been observed in individual(s) with aortic aneurysm (Invitae). In summary, the available evidence is currently insufficient to determine the role of this variant in disease. Therefore, it has been classified as a Variant of Uncertain Significance.